The following is an entry in ClinVar:

ClinVar aggregate classification (germline): Benign/Likely benign. Review status: criteria provided, multiple submitters, no conflicts (2 of 4 stars). 4 submissions from 4 submitters: Benign (1); Likely benign (2). 1 of the submissions does not count toward it. Last evaluated 2024-12-27.

Conditions:
SLFN14-related disorder. Also called: SLFN14-related condition.

Allele frequency attached by ClinVar (database versions not stated): gnomAD exomes 0.00006 and 0.00019; ExAC 0.00025; gnomAD 0.00107 and 0.00113; TOPMed 0.00130; ESP Exome Variant Server 0.00131; 1000 Genomes Project 30x 0.00172; 1000 Genomes Project 0.00180.
gnomAD v4.1: 256 of 1,551,696 alleles (0.016%); highest among the groups gnomAD compares: African/African-American, 0.3%; 1 homozygote.

Submissions (4):

Mayo Clinic Laboratories, Mayo Clinic
Classification: Likely benign. Last evaluated: 2024-12-27. Review status: criteria provided, single submitter. Criteria: ACMG Guidelines, 2015. Collection method: clinical testing. Allele origin: germline. Observed: 2 variant alleles.
Comment: BS1_supporting, BP4, BP7

Blueprint Genetics
Classification: Likely benign. Last evaluated: 2024-11-15. Review status: criteria provided, single submitter. Criteria: ACMG Guidelines, 2015. Collection method: clinical testing. Allele origin: germline.

Labcorp Genetics (formerly Invitae), Labcorp
Classification: Benign. Last evaluated: 2018-06-01. Review status: criteria provided, single submitter. Criteria: Invitae Variant Classification Sherloc (09022015). Collection method: clinical testing. Allele origin: germline.

PreventionGenetics, part of Exact Sciences
Classification: Likely benign for SLFN14-related condition. Last evaluated: 2020-01-03. Review status: no assertion criteria provided. Collection method: clinical testing. Allele origin: germline. Not counted in ClinVar's aggregate classification.
Comment: This variant is classified as likely benign based on ACMG/AMP sequence variant interpretation guidelines (Richards et al. 2015 PMID: 25741868, with internal and published modifications).

NM_001129820.2(SLFN14):c.360A>G (p.Pro120=)

Gene: SLFN14 (schlafen family member 14; minus strand). Cytogenetic location: 17q12.
Variant type: single nucleotide variant.
Coding change: c.360A>G on transcript NM_001129820.2 (MANE Select); coding-DNA position 360, A replaced by G.
Protein change: p.Pro120=; no amino-acid change (proline 120 retained).
Molecular consequence: synonymous variant.
Genome position (GRCh38, 1-based): chr17:35,557,703, T>C on the plus strand (A>G on the coding strand, the complement: SLFN14 is on the minus strand). VCF-style: chr17-35557703-T-C. GRCh37 (hg19) VCF-style: chr17-33884722-T-C.
Other names: p.Pro120=.
Identifiers: ClinVar variation 727635 (VCV000727635.7), dbSNP rs145261252, ClinGen allele CA8504705.
Genomic context (GRCh38, chr17:35,557,703, plus strand): 5'-GTTGATAGCAGAAGTCACATCTCTCCGATACAAATTGGAGCGCAAGCTGCAAATCCTTAG[T>C]GGAAGGCTGAAAACATCTGGGCTCCATGACTTCACAAAAATCAGGAGATTGTGCCCCTGC-3'
Protein context (NP_001123292.1, residues 110-130): KSWSPDVFSL[Pro120=]LRICSLRSNL